The following is an entry in ClinVar:

NM_000421.5(KRT10):c.1345T>C (p.Tyr449His)

Genes: KRT10 (keratin 10; minus strand), KRT10-AS1 (KRT10 antisense RNA 1; plus strand). Cytogenetic location: 17q21.2.
Variant type: single nucleotide variant.
Coding change: c.1345T>C on transcript NM_000421.5 (MANE Select); coding-DNA position 1345, T replaced by C.
Protein change: p.Tyr449His; replaces tyrosine 449 with histidine.
Molecular consequence: missense variant.
Genome position (GRCh38, 1-based): chr17:40,819,545, A>G on the plus strand (T>C on the coding strand, the complement: KRT10 is on the minus strand). VCF-style: chr17-40819545-A-G. GRCh37 (hg19) VCF-style: chr17-38975797-A-G.
Other names: c.1345T>C, p.Tyr449His (NM_001379366.1); short protein forms Y449H.
Identifiers: ClinVar variation 1398041 (VCV001398041.26), dbSNP rs2143133897, ClinGen allele CA399390362.

ClinVar aggregate classification (germline): Pathogenic/Likely pathogenic. Review status: criteria provided, multiple submitters, no conflicts (2 of 4 stars). 3 submissions from 3 submitters: Pathogenic (1); Likely pathogenic (2). Last evaluated 2024-07-12.

Conditions:
KRT10-related disorder. Also called: KRT10-related condition.

Submissions (3):

Blueprint Genetics
Classification: Likely pathogenic for KRT10-related disorders. Last evaluated: 2024-07-12. Review status: criteria provided, single submitter. Criteria: ACMG Guidelines, 2015. Collection method: clinical testing. Allele origin: germline. Affected: yes. Observed: 1 variant allele.

CeGaT Center for Human Genetics Tuebingen
Classification: Likely pathogenic. Last evaluated: 2024-07-01. Review status: criteria provided, single submitter. Criteria: CeGaT Center For Human Genetics Tuebingen Variant Classification Criteria Version 2. Collection method: clinical testing. Allele origin: germline. Affected: yes. Observed: 1 variant allele.
Comment: KRT10: PM2, PM5, PS4:Moderate, PP3, PP4

Labcorp Genetics (formerly Invitae), Labcorp
Classification: Pathogenic. Last evaluated: 2021-06-29. Review status: criteria provided, single submitter. Criteria: Invitae Variant Classification Sherloc (09022015). Collection method: clinical testing. Allele origin: germline.
Comment: For these reasons, this variant has been classified as Pathogenic. This variant disrupts the p.Tyr449 amino acid residue in KRT10. Other variant(s) that disrupt this residue have been observed in individuals with KRT10-related conditions (PMID: 21271994, 21463361, 31953843), which suggests that this may be a clinically significant amino acid residue. Advanced modeling of protein sequence and biophysical properties (such as structural, functional, and spatial information, amino acid conservation, physicochemical variation, residue mobility, and thermodynamic stability) performed at Invitae indicates that this missense variant is expected to disrupt KRT10 protein function. This variant has been observed in individuals with autosomal dominant epidermolytic ichthyosis (PMID: 26581228, 31106763). This variant is not present in population databases (ExAC no frequency). This sequence change replaces tyrosine with histidine at codon 449 of the KRT10 protein (p.Tyr449His). The tyrosine residue is highly conserved and there is a moderate physicochemical difference between tyrosine and histidine.

Literature cited by the submitters: PubMed 21271994 (cited by Labcorp Genetics (formerly Invitae), Labcorp); PubMed 21463361 (cited by Labcorp Genetics (formerly Invitae), Labcorp); PubMed 31953843 (cited by Labcorp Genetics (formerly Invitae), Labcorp); PubMed 26581228 (cited by Labcorp Genetics (formerly Invitae), Labcorp); PubMed 31106763 (cited by Labcorp Genetics (formerly Invitae), Labcorp).